The following is an entry in ClinVar:

NM_002878.4(RAD51D):c.*7C>T

Genes: RAD51D (RAD51 paralog D; minus strand), RAD51L3-RFFL (RAD51L3-RFFL readthrough; minus strand). Cytogenetic location: 17q12.
Variant type: single nucleotide variant.
Coding change: c.*7C>T on transcript NM_002878.4 (MANE Select); 7 bases downstream of the stop codon, C replaced by T.
Molecular consequence: 3 prime UTR variant. On other transcripts: non-coding transcript variant (2).
Genome position (GRCh38, 1-based): chr17:35,100,946, G>A on the plus strand (C>T on the coding strand, the complement: RAD51D is on the minus strand). VCF-style: chr17-35100946-G-A. GRCh37 (hg19) VCF-style: chr17-33427965-G-A.
Other names: c.*7C>T (NM_001142571.2, NM_133629.3).
Identifiers: ClinVar variation 378464 (VCV000378464.11), dbSNP rs370985675, ClinGen allele CA8499302.

ClinVar aggregate classification (germline): Conflicting classifications of pathogenicity. Review status: criteria provided, conflicting classifications (1 of 4 stars). 5 submissions from 5 submitters: Uncertain significance (3); Benign (1); Likely benign (1). Last evaluated 2026-02-06.

Conditions:
Hereditary cancer-predisposing syndrome. Also called: Tumor predisposition; Hereditary neoplastic syndrome; Neoplastic Syndromes, Hereditary; Hereditary Cancer Syndrome. Identifiers: Orphanet 140162, MedGen C0027672, MeSH D009386, MONDO:0015356.

Allele frequency attached by ClinVar (database versions not stated): gnomAD exomes 0.00002 and 0.00004; ExAC 0.00004; gnomAD 0.00016 and 0.00019; TOPMed 0.00022; ESP Exome Variant Server 0.00023.
gnomAD v4.1: 54 of 1,608,262 alleles (0.0034%); highest among the groups gnomAD compares: African/African-American, 0.066%; no homozygotes.

Submissions (5):

Women's Health and Genetics/Laboratory Corporation of America, LabCorp
Classification: Uncertain significance. Last evaluated: 2026-02-06. Review status: criteria provided, single submitter. Criteria: LabCorp Variant Classification Summary - May 2015. Collection method: clinical testing. Allele origin: germline.

Quest Diagnostics Nichols Institute San Juan Capistrano
Classification: Uncertain significance. Last evaluated: 2025-01-16. Review status: criteria provided, single submitter. Criteria: Quest Diagnostics criteria. Collection method: clinical testing. Allele origin: unknown.
Comment: The RAD51D c.*7C>T variant has not been reported in individuals with RAD51D-related conditions in the published literature. The frequency of this variant in the general population (Genome Aggregation Database) is uninformative in the assessment of its pathogenicity. Analysis of this variant using software algorithms for the prediction of the effect of nucleotide changes on splicing yielded predictions that this variant does not affect RAD51D mRNA splicing. Based on the available information, we are unable to determine the clinical significance of this variant.

Genetic Services Laboratory, University of Chicago
Classification: Uncertain significance. Last evaluated: 2021-11-30. Review status: criteria provided, single submitter. Criteria: ACMG Guidelines, 2015. Collection method: clinical testing. Allele origin: germline. Affected: no.

Color Diagnostics, LLC DBA Color Health
Classification: Likely benign for Hereditary cancer-predisposing syndrome. Last evaluated: 2016-11-08. Review status: criteria provided, single submitter. Criteria: ACMG Guidelines, 2015. Collection method: clinical testing. Allele origin: germline.

GeneDx
Classification: Benign. Last evaluated: 2015-04-20. Review status: criteria provided, single submitter. Criteria: GeneDx Variant Classification (06012015). Collection method: clinical testing. Allele origin: germline. Affected: yes.
Comment: This variant is considered likely benign or benign based on one or more of the following criteria: it is a conservative change, it occurs at a poorly conserved position in the protein, it is predicted to be benign by multiple in silico algorithms, and/or has population frequency not consistent with disease.